The following is an entry in ClinVar:

ClinVar aggregate classification (germline): Uncertain significance (1 of 4 stars; one submission).

Conditions:
Acute lymphoid leukemia (ALL). Also called: Leukemia, acute lymphoblastic, somatic; Acute lymphoblastic leukemia; Acute lymphocytic leukemia; Lymphoblastic leukemia. Identifiers: Orphanet 513, MedGen C0023449, MONDO:0004967, OMIM 613065, HP:0006721.

gnomAD v4.1: 6 of 703,354 alleles (0.00085%); highest among the groups gnomAD compares: Non-Finnish European, 0.0016%; no homozygotes.

Submission:

St. Jude Molecular Pathology, St. Jude Children's Research Hospital
Classification: Uncertain significance for Acute lymphoid leukemia. Last evaluated: 2026-02-20. Review status: criteria provided, single submitter. Criteria: St. Jude Assertion Criteria 2020. Collection method: clinical testing. Allele origin: germline.
Comment: The IKZF1 c.434G>A p.(Ser145Asn) missense change is absent in gnomAD v2.1 .1. The in silico tool REVEL predicts a benign effect on protein function, but this prediction has not been confirmed by functional studies. To our knowledge, this variant has not been reported in individuals with acu te lymphoblastic leukemia or immunodeficiency. In summary, the evidence currently available is insufficient to determine the clinical significance of this variant. It has therefore been classified as of uncertain significance.

NM_006060.6(IKZF1):c.161-8254G>A

Gene: IKZF1 (IKAROS family zinc finger 1; plus strand). Cytogenetic location: 7p12.2.
Variant type: single nucleotide variant.
Coding change: c.161-8254G>A on transcript NM_006060.6 (MANE Select); 8254 bases into the intron before coding-DNA position 161, G replaced by A.
Molecular consequence: intron variant. On other transcripts: missense variant (1).
Genome position (GRCh38, 1-based): chr7:50,368,279, G>A. VCF-style: chr7-50368279-G-A. GRCh37 (hg19) VCF-style: chr7-50435977-G-A.
Other names: c.434G>A, p.Ser145Asn (NM_001291845.2); c.220+214G>A (NM_001410879.1, NM_001291846.2, NM_001291847.2); c.161-14261G>A (NM_001291839.2, NM_001291838.2, NM_001220767.2 and 1 more transcripts); c.161-8254G>A (NM_001220765.3, NM_001291837.2, NM_001220768.2 and 1 more transcripts); c.161-19066G>A (NM_001291841.1, NM_001291842.1); c.161-23450G>A (NM_001291843.1, NM_001291844.1); c.161-31639G>A (NM_001291840.1); short protein forms S145N.
Identifiers: ClinVar variation 4813173 (VCV004813173.1).